The following is an entry in ClinVar:

NM_133510.4(RAD51B):c.334T>G (p.Cys112Gly)

Gene: RAD51B (RAD51 paralog B; plus strand). Cytogenetic location: 14q24.1.
Variant type: single nucleotide variant.
Coding change: c.334T>G on transcript NM_133510.4 (MANE Select); coding-DNA position 334, T replaced by G.
Protein change: p.Cys112Gly; replaces cysteine 112 with glycine.
Molecular consequence: missense variant. On other transcripts: 5 prime UTR variant (1).
Genome position (GRCh38, 1-based): chr14:67,865,021, T>G. VCF-style: chr14-67865021-T-G. GRCh37 (hg19) VCF-style: chr14-68331738-T-G.
Other names: c.334T>G, p.Cys112Gly (NM_001321809.2, NM_001321810.2, NM_001321812.1 and 6 more transcripts); c.220T>G, p.Cys74Gly (NM_001321815.1); c.-24T>G (NM_001321817.2); short protein forms C112G, C74G.
Identifiers: ClinVar variation 4575282 (VCV004575282.1).

ClinVar aggregate classification (germline): Uncertain significance (1 of 4 stars; one submission).

Submission:

Ambry Genetics
Classification: Uncertain significance. Last evaluated: 2025-10-02. Review status: criteria provided, single submitter. Criteria: Ambry Variant Classification Scheme 2023. Collection method: clinical testing. Allele origin: germline.
Comment: The p.C112G variant (also known as c.334T>G), located in coding exon 4 of the RAD51B gene, results from a T to G substitution at nucleotide position 334. The cysteine at codon 112 is replaced by glycine, an amino acid with highly dissimilar properties. This amino acid position is conserved. In addition, this alteration is predicted to be deleterious by in silico analysis. Based on the available evidence, the clinical significance of this variant remains unclear.